The following is an entry in ClinVar:

NM_014915.3(ANKRD26):c.3444A>T (p.Gln1148His)

Gene: ANKRD26 (ankyrin repeat domain containing 26; minus strand). Cytogenetic location: 10p12.1.
Variant type: single nucleotide variant.
Coding change: c.3444A>T on transcript NM_014915.3 (MANE Select); coding-DNA position 3444, A replaced by T.
Protein change: p.Gln1148His; replaces glutamine 1148 with histidine.
Molecular consequence: missense variant.
Genome position (GRCh38, 1-based): chr10:27,035,006, T>A on the plus strand (A>T on the coding strand, the complement: ANKRD26 is on the minus strand). VCF-style: chr10-27035006-T-A. GRCh37 (hg19) VCF-style: chr10-27323935-T-A.
Other names: c.3441A>T, p.Gln1147His (NM_001256053.2); short protein forms Q1147H, Q1148H.
Identifiers: ClinVar variation 3870934 (VCV003870934.1).

ClinVar aggregate classification (germline): Uncertain significance (1 of 4 stars; one submission).

Conditions:
Inborn genetic diseases. Identifiers: MedGen C0950123, MeSH D030342.

Submission:

Ambry Genetics
Classification: Uncertain significance for Inborn genetic diseases. Last evaluated: 2025-02-03. Review status: criteria provided, single submitter. Criteria: Ambry Variant Classification Scheme 2023. Collection method: clinical testing. Allele origin: germline.
Comment: The p.Q1148H variant (also known as c.3444A>T), located in coding exon 24 of the ANKRD26 gene, results from an A to T substitution at nucleotide position 3444. The glutamine at codon 1148 is replaced by histidine, an amino acid with highly similar properties. This amino acid position is conserved. In addition, this alteration is predicted to be tolerated by in silico analysis. Based on the available evidence, the clinical significance of this variant remains unclear.